The following is an entry in ClinVar:

NM_005876.5(SPEG):c.4450G>A (p.Ala1484Thr)

Gene: SPEG (striated muscle enriched protein kinase; plus strand). Cytogenetic location: 2q35.
Variant type: single nucleotide variant.
Coding change: c.4450G>A on transcript NM_005876.5 (MANE Select); coding-DNA position 4450, G replaced by A.
Protein change: p.Ala1484Thr; replaces alanine 1484 with threonine.
Molecular consequence: missense variant.
Genome position (GRCh38, 1-based): chr2:219,476,872, G>A. VCF-style: chr2-219476872-G-A. GRCh37 (hg19) VCF-style: chr2-220341594-G-A.
Other names: short protein forms A1484T.
Identifiers: ClinVar variation 2725359 (VCV002725359.3), dbSNP rs2545850994, ClinGen allele CA350679580.

ClinVar aggregate classification (germline): Uncertain significance (1 of 4 stars; one submission).

Submission:

Labcorp Genetics (formerly Invitae), Labcorp
Classification: Uncertain significance. Last evaluated: 2023-06-23. Review status: criteria provided, single submitter. Criteria: Invitae Variant Classification Sherloc (09022015). Collection method: clinical testing. Allele origin: germline.
Comment: In summary, the available evidence is currently insufficient to determine the role of this variant in disease. Therefore, it has been classified as a Variant of Uncertain Significance. An algorithm developed to predict the effect of missense changes on protein structure and function (PolyPhen-2) suggests that this variant is likely to be disruptive. This sequence change replaces alanine, which is neutral and non-polar, with threonine, which is neutral and polar, at codon 1484 of the SPEG protein (p.Ala1484Thr). This variant is not present in population databases (gnomAD no frequency). This variant has not been reported in the literature in individuals affected with SPEG-related conditions.